The following is an entry in ClinVar:

NM_000493.4(COL10A1):c.68A>C (p.Glu23Ala)

Genes: COL10A1 (collagen type X alpha 1 chain; minus strand), NT5DC1 (5'-nucleotidase domain containing 1; plus strand). Cytogenetic location: 6q22.1.
Variant type: single nucleotide variant.
Coding change: c.68A>C on transcript NM_000493.4 (MANE Select); coding-DNA position 68, A replaced by C.
Protein change: p.Glu23Ala; replaces glutamic acid 23 with alanine.
Molecular consequence: missense variant. On other transcripts: intron variant (1).
Genome position (GRCh38, 1-based): chr6:116,125,425, T>G on the plus strand (A>C on the coding strand, the complement: COL10A1 is on the minus strand). VCF-style: chr6-116125425-T-G. GRCh37 (hg19) VCF-style: chr6-116446588-T-G.
Other names: c.68A>C, p.Glu23Ala (NM_001424106.1, NM_001424107.1); c.529+7480T>G (NM_152729.3); short protein forms E23A.
Identifiers: ClinVar variation 3014555 (VCV003014555.3), dbSNP rs1321655334, ClinGen allele CA365398366.
Genomic context (GRCh38, chr6:116,125,425, plus strand): 5'-AAGAACTGTGTCTTGGTGTTGGGTAGTGGGCCTTTTATGCCTGTGGGCATTTGGTATCGT[T>G]CAGCGTAAAACACTCCATGAACCAAGTTCAAGGATACTAGCAGCAAAAAGGGTATTTGTG-3'
Protein context (NP_000484.2, residues 13-33): LNLVHGVFYA[Glu23Ala]RYQMPTGIKG

ClinVar aggregate classification (germline): Uncertain significance (1 of 4 stars; one submission).

Allele frequency attached by ClinVar (database versions not stated): gnomAD exomes below 0.00001; TOPMed 0.00001; gnomAD 0.00002.
gnomAD v4.1: 10 of 1,613,786 alleles (0.00062%); highest among the groups gnomAD compares: Non-Finnish European, 0.00076%; no homozygotes.

Submission:

Labcorp Genetics (formerly Invitae), Labcorp
Classification: Uncertain significance. Last evaluated: 2023-10-24. Review status: criteria provided, single submitter. Criteria: Invitae Variant Classification Sherloc (09022015). Collection method: clinical testing. Allele origin: germline.
Comment: This sequence change replaces glutamic acid, which is acidic and polar, with alanine, which is neutral and non-polar, at codon 23 of the COL10A1 protein (p.Glu23Ala). This variant is not present in population databases (gnomAD no frequency). This variant has not been reported in the literature in individuals affected with COL10A1-related conditions. Advanced modeling of protein sequence and biophysical properties (such as structural, functional, and spatial information, amino acid conservation, physicochemical variation, residue mobility, and thermodynamic stability) has been performed at Invitae for this missense variant, however the output from this modeling did not meet the statistical confidence thresholds required to predict the impact of this variant on COL10A1 protein function. In summary, the available evidence is currently insufficient to determine the role of this variant in disease. Therefore, it has been classified as a Variant of Uncertain Significance.